The following is an entry in ClinVar:

NM_005883.3(APC2):c.6370G>T (p.Ala2124Ser)

Gene: APC2 (APC regulator of Wnt signaling pathway 2; plus strand). Cytogenetic location: 19p13.3.
Variant type: single nucleotide variant.
Coding change: c.6370G>T on transcript NM_005883.3 (MANE Select); coding-DNA position 6370, G replaced by T.
Protein change: p.Ala2124Ser; replaces alanine 2124 with serine.
Molecular consequence: missense variant.
Genome position (GRCh38, 1-based): chr19:1,469,671, G>T. VCF-style: chr19-1469671-G-T. GRCh37 (hg19) VCF-style: chr19-1469670-G-T.
Other names: c.6367G>T, p.Ala2123Ser (NM_001351273.1); short protein forms A2123S, A2124S.
Identifiers: ClinVar variation 4872561 (VCV004872561.2).
Genomic context (GRCh38, chr19:1,469,671, plus strand): 5'-CACATCAGCGTGGCCCGCAGGCCCGACGGCGCCGTCCCCGCGGCCCCTGCCTCAGCCGAC[G>T]CCGCGCGCCGCAGCAGCGACGGGGAGCCCCGGCCGCTCCCCAGGGTGGCCGCGCCGGGCA-3'
Protein context (NP_005874.1, residues 2114-2134): AVPAAPASAD[Ala2124Ser]ARRSSDGEPR

ClinVar aggregate classification (germline): Uncertain significance (1 of 4 stars; one submission).

gnomAD v4.1: 1 of 1,268,406 alleles (0.000079%); no homozygotes.

Submission:

CeGaT Center for Human Genetics Tuebingen
Classification: Uncertain significance. Last evaluated: 2026-06-01. Review status: criteria provided, single submitter. Criteria: CeGaT Center For Human Genetics Tuebingen Variant Classification Criteria Version 2. Collection method: clinical testing. Allele origin: germline. Affected: yes. Observed: 1 variant allele.
Comment: APC2: PM2